The following is an entry in ClinVar:

NM_001235.5(SERPINH1):c.*668A>T

Gene: SERPINH1 (serpin family H member 1; plus strand). Cytogenetic location: 11q13.5.
Variant type: single nucleotide variant.
Coding change: c.*668A>T on transcript NM_001235.5 (MANE Select); 668 bases downstream of the stop codon, A replaced by T.
Molecular consequence: 3 prime UTR variant.
Genome position (GRCh38, 1-based): chr11:75,572,751, A>T. VCF-style: chr11-75572751-A-T. GRCh37 (hg19) VCF-style: chr11-75283796-A-T.
Other names: c.*668A>T (NM_001207014.3).
Identifiers: ClinVar variation 306125 (VCV000306125.5), dbSNP rs185499724, ClinGen allele CA10635679.

ClinVar aggregate classification (germline): Likely benign (1 of 4 stars; one submission).

Conditions:
Osteogenesis imperfecta type 10 (OI10). Also called: OI, TYPE X. Identifiers: Orphanet 666, MedGen C3151211, MONDO:0013459, OMIM 613848.

Allele frequency attached by ClinVar (database versions not stated): TOPMed 0.00463.

Submission:

Illumina Laboratory Services, Illumina
Classification: Likely benign for Osteogenesis imperfecta type 10. Last evaluated: 2018-01-13. Review status: criteria provided, single submitter. Criteria: ICSL Variant Classification Criteria 13 December 2019. Collection method: clinical testing. Allele origin: germline.
Comment: This variant was observed in the ICSL laboratory as part of a predisposition screen in an ostensibly healthy population. It had not been previously curated by ICSL or reported in the Human Gene Mutation Database (HGMD: prior to June 1st, 2018), and was therefore a candidate for classification through an automated scoring system. Utilizing variant allele frequency, disease prevalence and penetrance estimates, and inheritance mode, an automated score was calculated to assess if this variant is too frequent to cause the disease. Based on the score and internal cut-off values, a variant classified as likely benign is not then subjected to further curation. The score for this variant resulted in a classification of likely benign for this disease.